The following is an entry in ClinVar:

ClinVar aggregate classification (germline): Uncertain significance (1 of 4 stars; one submission).

Conditions:
Hereditary sensory neuropathy-deafness-dementia syndrome. Also called: Hereditary Sensory and Autonomic Neuropathy Type 1E (HSAN1E); NEUROPATHY, HEREDITARY SENSORY, WITH HEARING LOSS AND DEMENTIA; Hereditary sensory neuropathy type IE; HSN IE. Identifiers: Orphanet 456318, MedGen C3279885, MONDO:0013584, OMIM 614116.

Submission:

Labcorp Genetics (formerly Invitae), Labcorp
Classification: Uncertain significance for Hereditary sensory neuropathy-deafness-dementia syndrome. Last evaluated: 2024-04-03. Review status: criteria provided, single submitter. Criteria: Invitae Variant Classification Sherloc (09022015). Collection method: clinical testing. Allele origin: germline.
Comment: This sequence change replaces glycine, which is neutral and non-polar, with glutamic acid, which is acidic and polar, at codon 162 of the DNMT1 protein (p.Gly162Glu). This variant is not present in population databases (gnomAD no frequency). This variant has not been reported in the literature in individuals affected with DNMT1-related conditions. An algorithm developed to predict the effect of missense changes on protein structure and function (PolyPhen-2) suggests that this variant is likely to be tolerated. In summary, the available evidence is currently insufficient to determine the role of this variant in disease. Therefore, it has been classified as a Variant of Uncertain Significance.

NM_001130823.3(DNMT1):c.485G>A (p.Gly162Glu)

Gene: DNMT1 (DNA methyltransferase 1; minus strand). Cytogenetic location: 19p13.2.
Variant type: single nucleotide variant.
Coding change: c.485G>A on transcript NM_001130823.3 (MANE Select); coding-DNA position 485, G replaced by A.
Protein change: p.Gly162Glu; replaces glycine 162 with glutamic acid.
Molecular consequence: missense variant. On other transcripts: intron variant (2).
Genome position (GRCh38, 1-based): chr19:10,180,195, C>T on the plus strand (G>A on the coding strand, the complement: DNMT1 is on the minus strand). VCF-style: chr19-10180195-C-T. GRCh37 (hg19) VCF-style: chr19-10290871-C-T.
Other names: c.122G>A, p.Gly41Glu (NM_001318731.2); c.445+155G>A (NM_001379.4, NM_001318730.2); short protein forms G162E, G41E.
Identifiers: ClinVar variation 3693730 (VCV003693730.2).